The following is an entry in ClinVar:

NM_022081.6(HPS4):c.133-570_502-34del

Genes: HPS4 (HPS4 biogenesis of lysosomal organelles complex 3 subunit 2; minus strand), LOC126863105 (CDK7 strongly-dependent group 2 enhancer GRCh37_chr22:26866926-26868125; plus strand). Cytogenetic location: 22q12.1.
Variant type: Deletion.
Coding change: c.133-570_502-34del on transcript NM_022081.6 (MANE Select); 570 bases into the intron before coding-DNA position 133 through 34 bases into the intron before coding-DNA position 502, 6,860 bases deleted.
Molecular consequence: splice acceptor variant, splice donor variant.
Genome position (GRCh38, 1-based): chr22:26,470,847-26,477,706, 6,860 bases deleted. GRCh37 (hg19): chr22:26,866,813-26,873,672.
Other names: c.133-570_502-34del (NM_001349905.1, NM_001349904.2, NM_001349902.1 and 7 more transcripts); c.118-570_487-34del (NM_152841.2).
Identifiers: ClinVar variation 4073704 (VCV004073704.1).

ClinVar aggregate classification (germline): Pathogenic (1 of 4 stars; one submission).

Conditions:
Hermansky-Pudlak syndrome 4 (HPS4). Identifiers: Orphanet 231500, Orphanet 79430, MedGen C3484357, MONDO:0013556, OMIM 614073.

Submission:

Department of Clinical Genetics, Copenhagen University Hospital, Rigshospitalet
Classification: Pathogenic for Hermansky-Pudlak syndrome 4. Last evaluated: 2025-05-23. Review status: criteria provided, single submitter. Criteria: ACMG Guidelines, 2015. Collection method: clinical testing. Allele origin: germline.
Comment: The following ACMG criteria has been used: PVS1, PM2_sup, PM3